The following is an entry in ClinVar:

NM_001165963.4(SCN1A):c.4236del (p.Lys1412_Val1413insTer)

Genes: SCN1A (sodium voltage-gated channel alpha subunit 1; minus strand), LOC102724058 (uncharacterized LOC102724058; plus strand). Cytogenetic location: 2q24.3.
Variant type: Deletion.
Coding change: c.4236del on transcript NM_001165963.4 (MANE Select); coding-DNA position 4236, one base deleted (A; older notation c.4236delA).
Protein change: p.Lys1412_Val1413insTer.
Molecular consequence: frameshift variant. On other transcripts: non-coding transcript variant (1).
Genome position (GRCh38, 1-based): chr2:166,002,520, T deleted on the plus strand (A on the coding strand, the reverse complement: SCN1A is on the minus strand); the first of 3 consecutive T bases (chr2:166,002,520-166,002,522); deleting any one gives the same sequence. VCF-style (leftmost placement, unchanged base first): chr2-166002519-CT-C. GRCh37 (hg19) VCF-style: chr2-166859029-CT-C.
Other names: c.4152del, p.Lys1384_Val1385insTer (NM_001165964.3, NM_001353957.2, NM_001353958.2); c.4236del, p.Lys1412_Val1413insTer (NM_001202435.3, NM_001353948.2); c.4203del, p.Lys1401_Val1402insTer (NM_001353949.2, NM_001353950.2, NM_001353951.2 and 2 more transcripts); c.4200del, p.Lys1400_Val1401insTer (NM_001353954.2, NM_001353955.2); c.4149del, p.Lys1383_Val1384insTer (NM_001353960.2); c.1794del, p.Lys598_Val599insTer (NM_001353961.2).
Identifiers: ClinVar variation 408921 (VCV000408921.7), dbSNP rs1060502183, ClinGen allele CA16610152.

ClinVar aggregate classification (germline): Pathogenic (1 of 4 stars; one submission).

Conditions:
Early-infantile DEE. Also called: Early infantile epileptic encephalopathy; Early infantile epileptic encephalopathy with suppression bursts; Ohtahara syndrome. Identifiers: Orphanet 1934, MedGen C0393706, MONDO:0800491.

Submission:

Labcorp Genetics (formerly Invitae), Labcorp
Classification: Pathogenic for Early-infantile DEE. Last evaluated: 2018-03-14. Review status: criteria provided, single submitter. Criteria: Invitae Variant Classification Sherloc (09022015). Collection method: clinical testing. Allele origin: germline.
Comment: This sequence change creates a premature translational stop signal (p.Val1413*) in the SCN1A gene. It is expected to result in an absent or disrupted protein product. This variant is not present in population databases (ExAC no frequency). For these reasons, this variant has been classified as Pathogenic. Loss-of-function variants in SCN1A are known to be pathogenic (PMID: 17347258, 18930999). Algorithms developed to predict the effect of sequence changes on RNA splicing suggest that this variant may create or strengthen a splice site, but this prediction has not been confirmed by published transcriptional studies. This variant has not been reported in the literature in individuals with SCN1A-related disease.

Literature cited by the submitters: PubMed 17347258; PubMed 18930999.